The following is an entry in ClinVar:

NM_005051.3(QARS1):c.2084+19G>A

Gene: QARS1 (glutaminyl-tRNA synthetase 1; minus strand). Cytogenetic location: 3p21.31.
Variant type: single nucleotide variant.
Coding change: c.2084+19G>A on transcript NM_005051.3 (MANE Select); 19 bases into the intron after coding-DNA position 2084, G replaced by A.
Molecular consequence: intron variant.
Genome position (GRCh38, 1-based): chr3:49,098,334, C>T on the plus strand (G>A on the coding strand, the complement: QARS1 is on the minus strand). VCF-style: chr3-49098334-C-T. GRCh37 (hg19) VCF-style: chr3-49135767-C-T.
Other names: c.2051+19G>A (NM_001272073.2).
Identifiers: ClinVar variation 2158626 (VCV002158626.4), dbSNP rs2471843589, ClinGen allele CA2580069998.

ClinVar aggregate classification (germline): Uncertain significance (1 of 4 stars; one submission).

Conditions:
Diffuse cerebral and cerebellar atrophy - intractable seizures - progressive microcephaly syndrome. Also called: Microcephaly, progressive, with seizures and cerebral and cerebellar atrophy. Identifiers: Orphanet 404437, MedGen C4014239, MONDO:0014335, OMIM 615760.

Submission:

Labcorp Genetics (formerly Invitae), Labcorp
Classification: Uncertain significance for Diffuse cerebral and cerebellar atrophy - intractable seizures - progressive microcephaly syndrome. Last evaluated: 2022-06-07. Review status: criteria provided, single submitter. Criteria: Invitae Variant Classification Sherloc (09022015). Collection method: clinical testing. Allele origin: germline.
Comment: In summary, the available evidence is currently insufficient to determine the role of this variant in disease. Therefore, it has been classified as a Variant of Uncertain Significance. This sequence change falls in intron 21 of the QARS gene. It does not directly change the encoded amino acid sequence of the QARS protein. This variant is not present in population databases (gnomAD no frequency). This variant has not been reported in the literature in individuals affected with QARS-related conditions. Algorithms developed to predict the effect of sequence changes on RNA splicing suggest that this variant may disrupt the consensus splice site.